The following is an entry in ClinVar:

ClinVar aggregate classification (germline): Uncertain significance. Review status: criteria provided, multiple submitters, no conflicts (2 of 4 stars). 2 submissions from 2 submitters: Uncertain significance (2). Last evaluated 2022-07-12.

Conditions:
Hyper-IgM syndrome type 5 (HIGM5). Also called: Hyper-IgM Immunodeficiency Syndrome, Type 5. Identifiers: Orphanet 101092, MedGen C1720958, MONDO:0011971, OMIM 608106.

Submissions (2):

Labcorp Genetics (formerly Invitae), Labcorp
Classification: Uncertain significance for Hyper-IgM syndrome type 5. Last evaluated: 2022-07-12. Review status: criteria provided, single submitter. Criteria: Invitae Variant Classification Sherloc (09022015). Collection method: clinical testing. Allele origin: germline.
Comment: This variant has not been reported in the literature in individuals affected with UNG-related conditions. This variant is present in population databases (rs754010984, gnomAD 0.003%). This variant, c.781_783del, results in the deletion of 1 amino acid(s) of the UNG protein (p.Lys261del), but otherwise preserves the integrity of the reading frame. In summary, the available evidence is currently insufficient to determine the role of this variant in disease. Therefore, it has been classified as a Variant of Uncertain Significance. Experimental studies and prediction algorithms are not available or were not evaluated, and the functional significance of this variant is currently unknown.

Blueprint Genetics
Classification: Uncertain significance. Last evaluated: 2021-06-28. Review status: criteria provided, single submitter. Criteria: ACMG Guidelines, 2015. Collection method: clinical testing. Allele origin: germline.

NM_080911.3(UNG):c.778AAG[1] (p.Lys261del)

Gene: UNG (uracil DNA glycosylase; plus strand). Cytogenetic location: 12q24.11.
Variant type: Microsatellite.
Coding change: c.778AAG[1] on transcript NM_080911.3 (MANE Select); one copy of the 3-base unit AAG starting at c.778; the reference has two copies in a row; one copy, 3 bases deleted.
Protein change: p.Lys261del; deletes lysine 261.
Molecular consequence: inframe deletion.
Genome position (GRCh38, 1-based): chr12:109,103,591-109,103,593, AAG deleted; deleting any 3 consecutive bases within chr12:109,103,586-109,103,593 gives the same sequence; the position shown is the placement nearest the transcript's 3' end. VCF-style (leftmost placement, unchanged base first): chr12-109103585-CAGA-C. GRCh37 (hg19) VCF-style: chr12-109541390-CAGA-C.
Other names: c.751AAG[1], p.Lys252del (NM_003362.4); short protein forms K261del, K252del.
Identifiers: ClinVar variation 1517725 (VCV001517725.9), dbSNP rs754010984, ClinGen allele CA6772756.